The following is an entry in ClinVar:

ClinVar aggregate classification (germline): Uncertain significance (1 of 4 stars; one submission).

Conditions:
Emery-Dreifuss muscular dystrophy (EDMD). Also called: Scapuloperoneal syndrome, X-linked (formerly); Humeroperoneal neuromuscular disease, (formerly). Identifiers: Orphanet 261, MedGen C0410189, MONDO:0016830.

Submission:

Labcorp Genetics (formerly Invitae), Labcorp
Classification: Uncertain significance for Emery-Dreifuss muscular dystrophy. Last evaluated: 2022-03-11. Review status: criteria provided, single submitter. Criteria: Invitae Variant Classification Sherloc (09022015). Collection method: clinical testing. Allele origin: germline.
Comment: In summary, the available evidence is currently insufficient to determine the role of this variant in disease. Therefore, it has been classified as a Variant of Uncertain Significance. Algorithms developed to predict the effect of missense changes on protein structure and function output the following: SIFT: "Tolerated"; PolyPhen-2: "Benign"; Align-GVGD: "Class C0". The aspartic acid amino acid residue is found in multiple mammalian species, which suggests that this missense change does not adversely affect protein function. This variant has not been reported in the literature in individuals affected with SUN1-related conditions. This variant is not present in population databases (gnomAD no frequency). This sequence change replaces asparagine, which is neutral and polar, with aspartic acid, which is acidic and polar, at codon 720 of the SUN1 protein (p.Asn720Asp).

NM_001130965.3(SUN1):c.2158A>G (p.Asn720Asp)

Gene: SUN1 (Sad1 and UNC84 domain containing 1; plus strand). Cytogenetic location: 7p22.3.
Variant type: single nucleotide variant.
Coding change: c.2158A>G on transcript NM_001130965.3 (MANE Select); coding-DNA position 2158, A replaced by G.
Protein change: p.Asn720Asp; replaces asparagine 720 with aspartic acid.
Molecular consequence: missense variant. On other transcripts: non-coding transcript variant (3), intron variant (12).
Genome position (GRCh38, 1-based): chr7:872,479, A>G. VCF-style: chr7-872479-A-G. GRCh37 (hg19) VCF-style: chr7-912116-A-G.
Other names: c.1699A>G, p.Asn567Asp (NM_001367639.1); c.2338A>G, p.Asn780Asp (NM_001367640.1); c.2440A>G, p.Asn814Asp (NM_001367641.1); c.2143A>G, p.Asn715Asp (NM_001367642.1); c.2350A>G, p.Asn784Asp (NM_001367643.1); c.2089A>G, p.Asn697Asp (NM_001367644.1); c.2206A>G, p.Asn736Asp (NM_001367645.1, NM_001367681.1); c.2287A>G, p.Asn763Asp (NM_001367646.1, NM_001367707.1); and 55 more; short protein forms N531D, N567D, N617D, N687D, N694D, N709D, N757D, N780D.
Identifiers: ClinVar variation 2109061 (VCV002109061.4), dbSNP rs1585409458, ClinGen allele CA366535808.